The following is an entry in ClinVar:

ClinVar aggregate classification (germline): Likely benign (0 of 4 stars; one submission).

Conditions:
BUB1B-related disorder. Also called: BUB1B-related condition.

Submission:

PreventionGenetics, part of Exact Sciences
Classification: Likely benign for BUB1B-related condition. Last evaluated: 2019-08-07. Review status: no assertion criteria provided. Collection method: clinical testing. Allele origin: germline.
Comment: This variant is classified as likely benign based on ACMG/AMP sequence variant interpretation guidelines (Richards et al. 2015 PMID: 25741868, with internal and published modifications).

NM_001211.6(BUB1B):c.1567+3G>A

Gene: BUB1B (BUB1 mitotic checkpoint serine/threonine kinase B; plus strand). Cytogenetic location: 15q15.1.
Variant type: single nucleotide variant.
Coding change: c.1567+3G>A on transcript NM_001211.6 (MANE Select); 3 bases into the intron after coding-DNA position 1567, G replaced by A.
Molecular consequence: intron variant.
Genome position (GRCh38, 1-based): chr15:40,200,983, G>A. VCF-style: chr15-40200983-G-A. GRCh37 (hg19) VCF-style: chr15-40493184-G-A.
Identifiers: ClinVar variation 3055681 (VCV003055681.2), dbSNP rs2542557194, ClinGen allele CA2740097248.